The following is an entry in ClinVar:

ClinVar aggregate classification (germline): Uncertain significance (1 of 4 stars; one submission).

Conditions:
Mitochondrial DNA depletion syndrome, encephalomyopathic form with methylmalonic aciduria (MTDPS5). Also called: SUCLA2-Related Mitochondrial DNA Depletion Syndrome, Encephalomyopathic Form with Methylmalonic Aciduria; MITOCHONDRIAL DNA DEPLETION SYNDROME, ENCEPHALOMYOPATHIC FORM, WITH OR WITHOUT METHYLMALONIC ACIDURIA, AUTOSOMAL RECESSIVE, SUCLA2-RELATED; Mitochondrial DNA depletion syndrome 5 (encephalomyopathic with or without methylmalonic aciduria); Mitochondrial encephalomyopathy aminoacidopathy. Identifiers: Orphanet 1933, MedGen C5980207, MONDO:0012791, OMIM 612073.

Submission:

Labcorp Genetics (formerly Invitae), Labcorp
Classification: Uncertain significance for Mitochondrial DNA depletion syndrome, encephalomyopathic form with methylmalonic aciduria. Last evaluated: 2024-01-29. Review status: criteria provided, single submitter. Criteria: Invitae Variant Classification Sherloc (09022015). Collection method: clinical testing. Allele origin: germline.
Comment: This sequence change replaces valine, which is neutral and non-polar, with glycine, which is neutral and non-polar, at codon 190 of the SUCLA2 protein (p.Val190Gly). This variant is not present in population databases (gnomAD no frequency). This variant has not been reported in the literature in individuals affected with SUCLA2-related conditions. ClinVar contains an entry for this variant (Variation ID: 2089558). Advanced modeling of protein sequence and biophysical properties (such as structural, functional, and spatial information, amino acid conservation, physicochemical variation, residue mobility, and thermodynamic stability) performed at Invitae indicates that this missense variant is not expected to disrupt SUCLA2 protein function with a negative predictive value of 80%. In summary, the available evidence is currently insufficient to determine the role of this variant in disease. Therefore, it has been classified as a Variant of Uncertain Significance.

NM_003850.3(SUCLA2):c.569T>G (p.Val190Gly)

Gene: SUCLA2 (succinate-CoA ligase ADP-forming subunit beta; minus strand). Cytogenetic location: 13q14.2.
Variant type: single nucleotide variant.
Coding change: c.569T>G on transcript NM_003850.3 (MANE Select); coding-DNA position 569, T replaced by G.
Protein change: p.Val190Gly; replaces valine 190 with glycine.
Molecular consequence: missense variant.
Genome position (GRCh38, 1-based): chr13:47,973,358, A>C on the plus strand (T>G on the coding strand, the complement: SUCLA2 is on the minus strand). VCF-style: chr13-47973358-A-C. GRCh37 (hg19) VCF-style: chr13-48547493-A-C.
Other names: short protein forms V190G.
Identifiers: ClinVar variation 2089558 (VCV002089558.4), dbSNP rs2541693472, ClinGen allele CA388149707.